The following is an entry in ClinVar:

ClinVar aggregate classification (germline): Uncertain significance (1 of 4 stars; one submission).

Conditions:
T-cell immunodeficiency, congenital alopecia, and nail dystrophy. Also called: Congenital alopecia and nail dystrophy associated with severe functional T-cell immunodeficiency; Pignata Guarino syndrome. Identifiers: Orphanet 169095, MedGen C1866426, MONDO:0011132, OMIM 601705.

Submission:

Labcorp Genetics (formerly Invitae), Labcorp
Classification: Uncertain significance for T-cell immunodeficiency, congenital alopecia, and nail dystrophy. Last evaluated: 2024-04-25. Review status: criteria provided, single submitter. Criteria: Invitae Variant Classification Sherloc (09022015). Collection method: clinical testing. Allele origin: germline.
Comment: This sequence change creates a premature translational stop signal (p.Pro498Hisfs*52) in the FOXN1 gene. While this is not anticipated to result in nonsense mediated decay, it is expected to disrupt the last 151 amino acid(s) of the FOXN1 protein. This variant is not present in population databases (gnomAD no frequency). This variant has not been reported in the literature in individuals affected with FOXN1-related conditions. Experimental studies and prediction algorithms are not available or were not evaluated, and the functional significance of this variant is currently unknown. In summary, the available evidence is currently insufficient to determine the role of this variant in disease. Therefore, it has been classified as a Variant of Uncertain Significance.

NM_001369369.1(FOXN1):c.1493del (p.Pro498fs)

Gene: FOXN1 (forkhead box N1; plus strand). Cytogenetic location: 17q11.2.
Variant type: Deletion.
Coding change: c.1493del on transcript NM_001369369.1 (MANE Select); coding-DNA position 1493, one base deleted (C; older notation c.1493delC).
Protein change: p.Pro498fs; shifts the reading frame from proline 498.
Molecular consequence: frameshift variant.
Genome position (GRCh38, 1-based): chr17:28,535,064, C deleted; the last of 4 consecutive C bases (chr17:28,535,061-28,535,064); deleting any one gives the same sequence. VCF-style (leftmost placement, unchanged base first): chr17-28535060-AC-A. GRCh37 (hg19) VCF-style: chr17-26862078-AC-A.
Other names: c.1493del, p.Pro498fs (NM_003593.3); short protein forms P498fs.
Identifiers: ClinVar variation 2743301 (VCV002743301.3), dbSNP rs780302437, ClinGen allele CA2697559535.
Genomic context (GRCh38, chr17:28,535,060, plus strand): 5'-GGGCACCTTGAGCTGCGGGCCCAGCCAGGCACCCCCCAGGACTCGCCTCTGCCTGCCCAC[AC>A]CCCACCCAGCCACAGTGCCAAGCTACTGGCCGAGCCTTCCCCAGCCAGGACTATGCACGA-3'